The following is an entry in ClinVar:

ClinVar aggregate classification (germline): Uncertain significance (1 of 4 stars; one submission).

Allele frequency attached by ClinVar (database versions not stated): gnomAD exomes below 0.00001.
gnomAD v4.1: 6 of 1,604,404 alleles (0.00037%); highest among the groups gnomAD compares: Non-Finnish European, 0.00051%; no homozygotes.

Submission:

Labcorp Genetics (formerly Invitae), Labcorp
Classification: Uncertain significance. Last evaluated: 2022-03-23. Review status: criteria provided, single submitter. Criteria: Invitae Variant Classification Sherloc (09022015). Collection method: clinical testing. Allele origin: germline.
Comment: In summary, the available evidence is currently insufficient to determine the role of this variant in disease. Therefore, it has been classified as a Variant of Uncertain Significance. Algorithms developed to predict the effect of sequence changes on RNA splicing suggest that this variant may create or strengthen a splice site. This variant has not been reported in the literature in individuals affected with SNRNP200-related conditions. This variant is not present in population databases (gnomAD no frequency). This sequence change falls in intron 25 of the SNRNP200 gene. It does not directly change the encoded amino acid sequence of the SNRNP200 protein.

NM_014014.5(SNRNP200):c.3366-6G>A

Gene: SNRNP200 (small nuclear ribonucleoprotein U5 subunit 200; minus strand). Cytogenetic location: 2q11.2.
Variant type: single nucleotide variant.
Coding change: c.3366-6G>A on transcript NM_014014.5 (MANE Select); 6 bases into the intron before coding-DNA position 3366, G replaced by A.
Molecular consequence: intron variant.
Genome position (GRCh38, 1-based): chr2:96,287,563, C>T on the plus strand (G>A on the coding strand, the complement: SNRNP200 is on the minus strand). VCF-style: chr2-96287563-C-T. GRCh37 (hg19) VCF-style: chr2-96953301-C-T.
Identifiers: ClinVar variation 2092103 (VCV002092103.4), dbSNP rs1042910743, ClinGen allele CA52395322.